The following is an entry in ClinVar:

ClinVar aggregate classification (germline): Uncertain significance (1 of 4 stars; one submission).

Conditions:
Propionic acidemia (PROP). Also called: GLYCINEMIA, KETOTIC; HYPERGLYCINEMIA WITH KETOACIDOSIS AND LEUKOPENIA; KETOTIC HYPERGLYCINEMIA. Identifiers: Orphanet 35, MedGen C0268579, MONDO:0011628, OMIM 606054, HP:0003571.

gnomAD v4.1: 3 of 1,595,434 alleles (0.00019%); highest among the groups gnomAD compares: South Asian, 0.0034%; no homozygotes.

Submission:

Labcorp Genetics (formerly Invitae), Labcorp
Classification: Uncertain significance for Propionic acidemia. Last evaluated: 2022-08-16. Review status: criteria provided, single submitter. Criteria: Invitae Variant Classification Sherloc (09022015). Collection method: clinical testing. Allele origin: germline.
Comment: This sequence change replaces glycine, which is neutral and non-polar, with cysteine, which is neutral and slightly polar, at codon 20 of the PCCB protein (p.Gly20Cys). The frequency data for this variant in the population databases is considered unreliable, as metrics indicate poor data quality at this position in the gnomAD database. This variant has not been reported in the literature in individuals affected with PCCB-related conditions. Advanced modeling of protein sequence and biophysical properties (such as structural, functional, and spatial information, amino acid conservation, physicochemical variation, residue mobility, and thermodynamic stability) performed at Invitae indicates that this missense variant is not expected to disrupt PCCB protein function. In summary, the available evidence is currently insufficient to determine the role of this variant in disease. Therefore, it has been classified as a Variant of Uncertain Significance.

NM_000532.5(PCCB):c.58G>T (p.Gly20Cys)

Gene: PCCB (propionyl-CoA carboxylase subunit beta; plus strand). Cytogenetic location: 3q22.3.
Variant type: single nucleotide variant.
Coding change: c.58G>T on transcript NM_000532.5 (MANE Select); coding-DNA position 58, G replaced by T.
Protein change: p.Gly20Cys; replaces glycine 20 with cysteine.
Molecular consequence: missense variant.
Genome position (GRCh38, 1-based): chr3:136,250,433, G>T. VCF-style: chr3-136250433-G-T. GRCh37 (hg19) VCF-style: chr3-135969275-G-T.
Other names: c.58G>T, p.Gly20Cys (NM_001178014.2); short protein forms G20C.
Identifiers: ClinVar variation 1961739 (VCV001961739.2), dbSNP rs777726717, ClinGen allele CA2631560.